The following is an entry in ClinVar:

ClinVar aggregate classification (germline): Pathogenic (1 of 4 stars; one submission).

Conditions:
Cardiomyopathy (CMYO). Also called: Cardiomyopathies. Identifiers: Orphanet 167848, MedGen C0878544, MONDO:0004994, HP:0001638. Inheritance: Various modes of inheritance.

Submission:

Color Diagnostics, LLC DBA Color Health
Classification: Pathogenic for Cardiomyopathy. Last evaluated: 2025-08-25. Review status: criteria provided, single submitter. Criteria: ACMG Guidelines, 2015. Collection method: clinical testing. Allele origin: germline.
Comment: This variant inserts 1 nucleotide in the last exon of the DSP gene, creating a frameshift and premature translation stop signal. This variant is expected to disrupt the plakin repeat domain B (a.a. 2244-2446), domain C (a.a. 2609-2822), the linker regions between these domains, as well as amino acids at the C-terminal extremity of the protein have been reported to be essential for coalignment and binding of intermediate filaments (PMID: 12101406, 12802069, 21756917). This variant is expected to result in non-functional protein product. To our knowledge, this variant has not been reported in individuals affected with DSP-related disorders in the literature. This variant has not been identified in the general population by the Genome Aggregation Database (gnomAD). Multiple pathogenic truncations are reported downstream of this variant (ClinVar). Based on the available evidence, this variant is classified as Pathogenic.

Literature cited by the submitters: PubMed 12101406; PubMed 12802069; PubMed 21756917.

NM_004415.4(DSP):c.6640dup (p.Arg2214fs)

Gene: DSP (desmoplakin; plus strand). Cytogenetic location: 6p24.3.
Variant type: Duplication.
Coding change: c.6640dup on transcript NM_004415.4 (MANE Select); coding-DNA position 6640, one base duplicated (A; older notation c.6640dupA).
Protein change: p.Arg2214fs; shifts the reading frame from arginine 2214.
Molecular consequence: frameshift variant.
Genome position (GRCh38, 1-based): chr6:7,583,902, A duplicated. VCF-style (leftmost placement, unchanged base first): chr6-7583901-C-CA. GRCh37 (hg19) VCF-style: chr6-7584134-C-CA.
Other names: c.4843dup, p.Arg1615fs (NM_001008844.3); c.5311dup, p.Arg1771fs (NM_001319034.2); short protein forms R1615fs, R1771fs, R2214fs.
Identifiers: ClinVar variation 4756228 (VCV004756228.1).